The following is an entry in ClinVar:

NM_002296.4(LBR):c.651CAT[1] (p.Ile218del)

Gene: LBR (lamin B receptor; minus strand). Cytogenetic location: 1q42.12.
Variant type: Microsatellite.
Coding change: c.651CAT[1] on transcript NM_002296.4 (MANE Select); one copy of the 3-base unit CAT starting at c.651; the reference has two copies in a row; one copy, 3 bases deleted.
Protein change: p.Ile218del; deletes isoleucine 218.
Molecular consequence: inframe deletion.
Genome position (GRCh38, 1-based): chr1:225,418,165-225,418,167, ATG deleted on the plus strand (CAT on the coding strand, the reverse complement: LBR is on the minus strand); deleting any 3 consecutive bases within chr1:225,418,165-225,418,171 gives the same sequence; the position shown is the placement nearest the transcript's 3' end. VCF-style (leftmost placement, unchanged base first): chr1-225418164-CATG-C. GRCh37 (hg19) VCF-style: chr1-225605866-CATG-C.
Other names: c.651CAT[1], p.Ile218del (NM_194442.3); short protein forms I218del.
Identifiers: ClinVar variation 2069942 (VCV002069942.4), dbSNP rs2527818527, ClinGen allele CA2580611242.

ClinVar aggregate classification (germline): Uncertain significance (1 of 4 stars; one submission).

Submission:

Labcorp Genetics (formerly Invitae), Labcorp
Classification: Uncertain significance. Last evaluated: 2022-01-07. Review status: criteria provided, single submitter. Criteria: Invitae Variant Classification Sherloc (09022015). Collection method: clinical testing. Allele origin: germline.
Comment: In summary, the available evidence is currently insufficient to determine the role of this variant in disease. Therefore, it has been classified as a Variant of Uncertain Significance. Experimental studies and prediction algorithms are not available or were not evaluated, and the functional significance of this variant is currently unknown. This variant has not been reported in the literature in individuals affected with LBR-related conditions. This variant is not present in population databases (gnomAD no frequency). This variant, c.654_656del, results in the deletion of 1 amino acid(s) of the LBR protein (p.Ile218del), but otherwise preserves the integrity of the reading frame.